The following is an entry in ClinVar:

ClinVar aggregate classification (germline): not provided (0 of 4 stars; one submission).

Allele frequency attached by ClinVar (database versions not stated): gnomAD exomes 0.03028; ExAC 0.03690; 1000 Genomes Project 30x 0.04232; 1000 Genomes Project 0.04253; ESP Exome Variant Server 0.00200; gnomAD 0.01097 and 0.01370; TOPMed 0.01748.
gnomAD v4.1: 17,747 of 1,580,432 alleles (1.1%); highest among the groups gnomAD compares: Admixed American, 9.5%; 709 homozygotes.

Submission:

ITMI
No classification provided. Condition: AllHighlyPenetrant. Last evaluated: 2013-09-19. Review status: no classification provided. Collection method: reference population. Allele origin: germline.
Comment: Please see associated publication for description of ethnicities

Literature cited by the submitters: PubMed 24728327.

NM_002253.4(KDR):c.1987+28C>T

Gene: KDR (kinase insert domain receptor; minus strand). Cytogenetic location: 4q12.
Variant type: single nucleotide variant.
Coding change: c.1987+28C>T on transcript NM_002253.4 (MANE Select); 28 bases into the intron after coding-DNA position 1987, C replaced by T.
Molecular consequence: intron variant.
Genome position (GRCh38, 1-based): chr4:55,104,615, G>A on the plus strand (C>T on the coding strand, the complement: KDR is on the minus strand). VCF-style: chr4-55104615-G-A. GRCh37 (hg19) VCF-style: chr4-55970782-G-A.
Identifiers: ClinVar variation 135551 (VCV000135551.1), dbSNP rs17085310, ClinGen allele CA163008.
Genomic context (GRCh38, chr4:55,104,615, plus strand): 5'-GACAGTAATCTTTGCATAGCACCTGAATTGCACTACATTTAAGGCATTCCAACTGCCTCT[G>A]CACAATGATCCAGAATTGTCTCCCTACCTAGGACTGTGAGCTGCCTGACCACGCAATGTC-3'